The following continues an entry in ClinVar:

NM_001005242.3(PKP2):c.2254T>C (p.Cys752Arg)

Gene: PKP2. ClinVar aggregate classification (germline): Pathogenic/Likely pathogenic. Pathogenic (9); Likely pathogenic (1).

Submissions 10 to 14 of 14:

Genome Diagnostics Laboratory, University Medical Center Utrecht
Classification: Pathogenic for Arrhythmogenic right ventricular dysplasia 9. Last evaluated: 2014-10-08. Review status: criteria provided, single submitter. Criteria: ACGS Guidelines, 2013. Collection method: clinical testing. Allele origin: germline. Affected: yes. Study: VKGL Data-share Consensus.

Clinical Genetics DNA and cytogenetics Diagnostics Lab, Erasmus MC, Erasmus Medical Center
Classification: Pathogenic. Review status: no assertion criteria provided. Collection method: clinical testing. Allele origin: germline. Affected: yes. Study: VKGL Data-share Consensus. Not counted in ClinVar's aggregate classification.

Clinical Genetics, Academic Medical Center
Classification: Pathogenic. Review status: no assertion criteria provided. Collection method: clinical testing. Allele origin: germline. Affected: yes. Study: VKGL Data-share Consensus. Not counted in ClinVar's aggregate classification.

Diagnostic Laboratory, Department of Genetics, University Medical Center Groningen
Classification: Pathogenic for Arrhythmogenic right ventricular dysplasia 9. Review status: no assertion criteria provided. Collection method: clinical testing. Allele origin: germline. Affected: yes. Study: VKGL Data-share Consensus. Not counted in ClinVar's aggregate classification.

Joint Genome Diagnostic Labs from Nijmegen and Maastricht, Radboudumc and MUMC+
Classification: Pathogenic. Review status: no assertion criteria provided. Collection method: clinical testing. Allele origin: germline. Affected: yes. Study: VKGL Data-share Consensus. Not counted in ClinVar's aggregate classification.

Literature cited by the submitters: PubMed 23183494 (cited by Victorian Clinical Genetics Services, Murdoch Childrens Research Institute); PubMed 22781308 (cited by 5 submitters); PubMed 17010805 (cited by Victorian Clinical Genetics Services, Murdoch Childrens Research Institute); PubMed 35059364 (cited by Victorian Clinical Genetics Services, Murdoch Childrens Research Institute); PubMed 25820315 (cited by Victorian Clinical Genetics Services, Murdoch Childrens Research Institute and Women's Health and Genetics/Laboratory Corporation of America, LabCorp); PubMed 38050058 (cited by Victorian Clinical Genetics Services, Murdoch Childrens Research Institute); PubMed 30562116 (cited by Victorian Clinical Genetics Services, Murdoch Childrens Research Institute); PubMed 15489853 (cited by Color Diagnostics, LLC DBA Color Health and Ambry Genetics); PubMed 16567567 (cited by Color Diagnostics, LLC DBA Color Health and Ambry Genetics); PubMed 20603720 (cited by Color Diagnostics, LLC DBA Color Health and Ambry Genetics); PubMed 21606396 (cited by Color Diagnostics, LLC DBA Color Health and Women's Health and Genetics/Laboratory Corporation of America, LabCorp); PubMed 21636032 (cited by Color Diagnostics, LLC DBA Color Health and Labcorp Genetics (formerly Invitae), Labcorp); PubMed 23085127 (cited by Color Diagnostics, LLC DBA Color Health and Ambry Genetics); PubMed 23863954 (cited by 3 submitters); PubMed 23871674 (cited by Color Diagnostics, LLC DBA Color Health and Labcorp Genetics (formerly Invitae), Labcorp); PubMed 30847666 (cited by Color Diagnostics, LLC DBA Color Health); PubMed 31737537 (cited by Color Diagnostics, LLC DBA Color Health and Ambry Genetics); PubMed 33662488 (cited by Color Diagnostics, LLC DBA Color Health); PubMed 34469894 (cited by Color Diagnostics, LLC DBA Color Health and Ambry Genetics).